The following is an entry in ClinVar:

NM_004260.4(RECQL4):c.1918_1920del (p.Leu640del)

Gene: RECQL4 (RecQ like helicase 4; minus strand). Cytogenetic location: 8q24.3.
Variant type: Deletion.
Coding change: c.1918_1920del on transcript NM_004260.4 (MANE Select); coding-DNA positions 1918 to 1920, 3 bases deleted (CTC; older notation c.1918_1920delCTC).
Protein change: p.Leu640del; deletes leucine 640.
Molecular consequence: inframe deletion.
Genome position (GRCh38, 1-based): chr8:144,514,066-144,514,068, GAG deleted on the plus strand (CTC on the coding strand, the reverse complement: RECQL4 is on the minus strand); deleting any 3 consecutive bases within chr8:144,514,066-144,514,069 gives the same sequence; the c. name uses the placement nearest the transcript's 3' end. VCF-style (leftmost placement, unchanged base first): chr8-144514065-TGAG-T. GRCh37 (hg19) VCF-style: chr8-145739449-TGAG-T.
Other names: short protein forms L640del.
Identifiers: ClinVar variation 1002409 (VCV001002409.5), dbSNP rs1564798241, ClinGen allele CA16622039.
Genomic context (GRCh38, chr8:144,514,065, plus strand): 5'-CTTCAGCCACAGCCAGGTGCTGTGCCACGTCACTGGCAGTGCGGCGTGTGGCTGTGGCTG[TGAG>T]GCCCAGGAAGCAGTGCACGCCCATGCGCTCCCGAAGCACCTGCACCAGAGGCGGCAGTGG-3'

ClinVar aggregate classification (germline): Uncertain significance (1 of 4 stars; one submission).

Conditions:
Baller-Gerold syndrome (BGS). Also called: CRANIOSYNOSTOSIS WITH RADIAL DEFECTS. Identifiers: Orphanet 1225, MedGen C0265308, MONDO:0009039, OMIM 218600.

Submission:

Labcorp Genetics (formerly Invitae), Labcorp
Classification: Uncertain significance for Baller-Gerold syndrome. Last evaluated: 2023-12-16. Review status: criteria provided, single submitter. Criteria: Invitae Variant Classification Sherloc (09022015). Collection method: clinical testing. Allele origin: germline.
Comment: This variant, c.1918_1920del, results in the deletion of 1 amino acid(s) of the RECQL4 protein (p.Leu640del), but otherwise preserves the integrity of the reading frame. This variant is present in population databases (no rsID available, gnomAD 0.001%). This variant has not been reported in the literature in individuals affected with RECQL4-related conditions. ClinVar contains an entry for this variant (Variation ID: 1002409). Experimental studies and prediction algorithms are not available or were not evaluated, and the functional significance of this variant is currently unknown. In summary, the available evidence is currently insufficient to determine the role of this variant in disease. Therefore, it has been classified as a Variant of Uncertain Significance.